The following is an entry in ClinVar:

NC_000019.9:g.(?_54297303)_(54299303_?)dup

Gene: NLRP12 (NLR family pyrin domain containing 12; minus strand). Cytogenetic location: 19q13.42.
Variant type: Duplication.
Identifiers: ClinVar variation 2427312 (VCV002427312.3).

ClinVar aggregate classification (germline): Uncertain significance (1 of 4 stars; one submission).

Conditions:
Familial cold autoinflammatory syndrome 2 (FCAS2). Identifiers: Orphanet 247868, MedGen C2673198, MONDO:0012724, OMIM 611762.

Submission:

Labcorp Genetics (formerly Invitae), Labcorp
Classification: Uncertain significance for Familial cold autoinflammatory syndrome 2. Last evaluated: 2022-10-13. Review status: criteria provided, single submitter. Criteria: Invitae Variant Classification Sherloc (09022015). Collection method: clinical testing. Allele origin: germline.
Comment: This variant results in a copy number gain of the genomic region encompassing exon(s) 9-10 of the NLRP12 gene. This region includes the termination codon of the gene. This copy number gain extends beyond the assayed region for this gene and therefore may encompass additional genes. As the precise location of this event is unknown, it may be in tandem or it may be located elsewhere in the genome. This variant has not been reported in the literature in individuals affected with NLRP12-related conditions. In summary, the available evidence is currently insufficient to determine the role of this variant in disease. Therefore, it has been classified as a Variant of Uncertain Significance.